The following is an entry in ClinVar:

NM_014915.3(ANKRD26):c.4907C>T (p.Ser1636Leu)

Gene: ANKRD26 (ankyrin repeat domain 26; minus strand). Cytogenetic location: 10p12.1.
Variant type: single nucleotide variant.
Coding change: c.4907C>T on transcript NM_014915.3 (MANE Select); coding-DNA position 4907, C replaced by T.
Protein change: p.Ser1636Leu; replaces serine 1636 with leucine.
Molecular consequence: missense variant.
Genome position (GRCh38, 1-based): chr10:27,012,928, G>A on the plus strand (C>T on the coding strand, the complement: ANKRD26 is on the minus strand). VCF-style: chr10-27012928-G-A. GRCh37 (hg19) VCF-style: chr10-27301857-G-A.
Other names: c.4904C>T, p.Ser1635Leu (NM_001256053.2); short protein forms S1636L, S1635L.
Identifiers: ClinVar variation 4579405 (VCV004579405.1).
Genomic context (GRCh38, chr10:27,012,928, plus strand): 5'-ACAACATAACTAACCTTGCTCAAGTAGTTCTCCATGCTATTATTTGAAGCCCGTGGATTT[G>A]AGGTAGAGATCACTAAGTTTTCTCTTGGAATAAGTTTTCTGTTGAGATCTAAACTATTAT-3'
Protein context (NP_055730.2, residues 1626-1646): IPRENLVIST[Ser1636Leu]NPRASNNSME

ClinVar aggregate classification (germline): Uncertain significance (1 of 4 stars; one submission).

Conditions:
Inborn genetic diseases. Identifiers: MedGen C0950123, MeSH D030342.

Submission:

Ambry Genetics
Classification: Uncertain significance for Inborn genetic diseases. Last evaluated: 2025-10-14. Review status: criteria provided, single submitter. Criteria: Ambry Variant Classification Scheme 2023. Collection method: clinical testing. Allele origin: germline.
Comment: The p.S1636L variant (also known as c.4907C>T), located in coding exon 32 of the ANKRD26 gene, results from a C to T substitution at nucleotide position 4907. The serine at codon 1636 is replaced by leucine, an amino acid with dissimilar properties. This amino acid position is conserved. In addition, this alteration is predicted to be tolerated by in silico analysis. Based on the available evidence, the clinical significance of this variant remains unclear.